The following is an entry in ClinVar:

NM_000038.6(APC):c.1188T>C (p.Asp396=)

Gene: APC (APC regulator of Wnt signaling pathway; plus strand). Cytogenetic location: 5q22.2.
Variant type: single nucleotide variant.
Coding change: c.1188T>C on transcript NM_000038.6 (MANE Select); coding-DNA position 1188, T replaced by C.
Protein change: p.Asp396=; no amino-acid change (aspartic acid 396 retained).
Molecular consequence: synonymous variant. On other transcripts: intron variant (4).
Genome position (GRCh38, 1-based): chr5:112,819,220, T>C. VCF-style: chr5-112819220-T-C. GRCh37 (hg19) VCF-style: chr5-112154917-T-C.
Other names: c.1188T>C, p.Asp396= (NM_001127510.3, NM_001354895.2, NM_001354896.2); c.1134T>C, p.Asp378= (NM_001127511.3); c.1218T>C, p.Asp406= (NM_001354897.2); c.1113T>C, p.Asp371= (NM_001354898.2); c.1104T>C, p.Asp368= (NM_001354899.2); c.1011T>C, p.Asp337= (NM_001354900.2, NM_001354901.2); c.339T>C, p.Asp113= (NM_001354906.2); c.964-49T>C (NM_001354902.2); and 3 more.
Identifiers: ClinVar variation 482331 (VCV000482331.17), dbSNP rs1554080056, ClinGen allele CA445960336.

ClinVar aggregate classification (germline): Benign/Likely benign. Review status: criteria provided, multiple submitters, no conflicts (2 of 4 stars). 5 submissions from 5 submitters: Benign (1); Likely benign (4). Last evaluated 2026-01-20.

Conditions:
Hereditary cancer-predisposing syndrome. Also called: Neoplastic Syndromes, Hereditary; Tumor predisposition; Hereditary Cancer Syndrome; Hereditary neoplastic syndrome. Identifiers: Orphanet 140162, MedGen C0027672, MeSH D009386, MONDO:0015356.
Classic or attenuated familial adenomatous polyposis. Identifiers: MedGen CN372698, MONDO:0021057.
Familial adenomatous polyposis 1 (FAP1). Also called: FAMILIAL ADENOMATOUS POLYPOSIS 1, ATTENUATED; POLYPOSIS, ADENOMATOUS INTESTINAL. Identifiers: MedGen C2713442, MONDO:0021056, OMIM 175100. Disease mechanism: loss of function.

Allele frequency attached by ClinVar (database versions not stated): gnomAD exomes 0.00001.
gnomAD v4.1: 12 of 1,613,996 alleles (0.00074%); highest among the groups gnomAD compares: Non-Finnish European, 0.00093%; no homozygotes.

Submissions (5):

Labcorp Genetics (formerly Invitae), Labcorp
Classification: Likely benign for Familial adenomatous polyposis 1. Last evaluated: 2026-01-20. Review status: criteria provided, single submitter. Criteria: Invitae Variant Classification Sherloc (09022015). Collection method: clinical testing. Allele origin: germline.

Myriad Genetics, Inc.
Classification: Benign for Familial adenomatous polyposis 1. Last evaluated: 2024-03-01. Review status: criteria provided, single submitter. Criteria: Myriad Autosomal Dominant, Autosomal Recessive and X-Linked Classification Criteria (2023). Collection method: clinical testing. Allele origin: unknown.
Comment: This variant is considered benign. This variant is a silent/synonymous amino acid change and it is not expected to impact splicing.

All of Us Research Program, National Institutes of Health
Classification: Likely benign for Classic or attenuated familial adenomatous polyposis. Last evaluated: 2023-10-06. Review status: criteria provided, single submitter. Criteria: ACMG Guidelines, 2015. Collection method: clinical testing. Allele origin: germline. Inheritance: Autosomal dominant inheritance. Observed: 1 variant allele, 1 heterozygote.
Comment: This study involves interpretation of variants in research participants for the purpose of population health screening. Participant phenotype was not available at the time of variant classification. Additional details can be found in publication PMID: 35346344, PMCID: PMC8962531

Color Diagnostics, LLC DBA Color Health
Classification: Likely benign for Hereditary cancer-predisposing syndrome. Last evaluated: 2023-10-05. Review status: criteria provided, single submitter. Criteria: ACMG Guidelines, 2015. Collection method: clinical testing. Allele origin: germline.

Ambry Genetics
Classification: Likely benign for Hereditary cancer-predisposing syndrome. Last evaluated: 2016-03-21. Review status: criteria provided, single submitter. Criteria: Ambry Variant Classification Scheme 2023. Collection method: clinical testing. Allele origin: germline.